The following is an entry in ClinVar:

ClinVar aggregate classification (germline): Uncertain significance (1 of 4 stars; one submission).

Submission:

GeneDx
Classification: Uncertain significance. Last evaluated: 2024-05-23. Review status: criteria provided, single submitter. Criteria: GeneDx Variant Classification Process June 2021. Collection method: clinical testing. Allele origin: germline. Affected: yes.
Comment: Not observed at significant frequency in large population cohorts (gnomAD); Nonsense variant predicted to result in protein truncation or nonsense mediated decay in a gene or region of a gene for which loss of function is not a well-established mechanism of disease; Has not been previously published as pathogenic or benign to our knowledge

NM_005754.3(G3BP1):c.841C>T (p.Gln281Ter)

Gene: G3BP1 (G3BP stress granule assembly factor 1; plus strand). Cytogenetic location: 5q33.1.
Variant type: single nucleotide variant.
Coding change: c.841C>T on transcript NM_005754.3 (MANE Select); coding-DNA position 841, C replaced by T.
Protein change: p.Gln281Ter; replaces glutamine 281 with a stop codon.
Molecular consequence: nonsense.
Genome position (GRCh38, 1-based): chr5:151,799,311, C>T. VCF-style: chr5-151799311-C-T. GRCh37 (hg19) VCF-style: chr5-151178872-C-T.
Other names: c.841C>T, p.Gln281Ter (NM_198395.2); short protein forms Q281*.
Identifiers: ClinVar variation 3381622 (VCV003381622.1).
Genomic context (GRCh38, chr5:151,799,311, plus strand): 5'-CCCAGTGGAGCTGTTCCAGTTACTGGGATACCACCTCATGTTGTTAAAGTACCAGCTTCA[C>T]AGGTAAGGTCCTAATAAAACTTGTACATTAGGCAAATTTACTTCTATTGTGGTAATTTGA-3'